The following is an entry in ClinVar:

ClinVar aggregate classification (germline): Uncertain significance (1 of 4 stars; one submission).

Conditions:
Bifunctional peroxisomal enzyme deficiency (DBIF). Also called: DBP DEFICIENCY; PBFE DEFICIENCY; D-bifunctional protein deficiency. Identifiers: Orphanet 300, MedGen C0342870, MONDO:0009855, OMIM 261515. Disease mechanism: loss of function.
Perrault syndrome. Also called: Gonadal dysgenesis with auditory dysfunction, autosomal recessive inheritance. Identifiers: Orphanet 2855, MedGen C0685838, MONDO:0017312.

gnomAD v4.1: 1 of 1,612,590 alleles (0.000062%); highest among the groups gnomAD compares: Non-Finnish European, 0.000085%; no homozygotes.

Submission:

Labcorp Genetics (formerly Invitae), Labcorp
Classification: Uncertain significance for Perrault syndrome; Bifunctional peroxisomal enzyme deficiency. Last evaluated: 2024-12-02. Review status: criteria provided, single submitter. Criteria: Invitae Variant Classification Sherloc (09022015). Collection method: clinical testing. Allele origin: germline.
Comment: This sequence change replaces alanine, which is neutral and non-polar, with valine, which is neutral and non-polar, at codon 134 of the HSD17B4 protein (p.Ala134Val). This variant is present in population databases (rs766852679, gnomAD 0.006%). This variant has not been reported in the literature in individuals affected with HSD17B4-related conditions. Invitae Evidence Modeling of protein sequence and biophysical properties (such as structural, functional, and spatial information, amino acid conservation, physicochemical variation, residue mobility, and thermodynamic stability) has been performed for this missense variant. However, the output from this modeling did not meet the statistical confidence thresholds required to predict the impact of this variant on HSD17B4 protein function. In summary, the available evidence is currently insufficient to determine the role of this variant in disease. Therefore, it has been classified as a Variant of Uncertain Significance.

NM_000414.4(HSD17B4):c.401C>T (p.Ala134Val)

Gene: HSD17B4 (hydroxysteroid 17-beta dehydrogenase 4; plus strand). Cytogenetic location: 5q23.1.
Variant type: single nucleotide variant.
Coding change: c.401C>T on transcript NM_000414.4 (MANE Select); coding-DNA position 401, C replaced by T.
Protein change: p.Ala134Val; replaces alanine 134 with valine.
Molecular consequence: missense variant. On other transcripts: 5 prime UTR variant (5), non-coding transcript variant (2).
Genome position (GRCh38, 1-based): chr5:119,477,468, C>T. VCF-style: chr5-119477468-C-T. GRCh37 (hg19) VCF-style: chr5-118813163-C-T.
Other names: c.476C>T, p.Ala159Val (NM_001199291.3); c.347C>T, p.Ala116Val (NM_001199292.2); c.329C>T, p.Ala110Val (NM_001292027.2); c.-11C>T (NM_001292028.2, NM_001374501.1, NM_001374502.1 and 1 more transcripts); c.401C>T, p.Ala134Val (NM_001374497.1, NM_001374498.1); c.74C>T, p.Ala25Val (NM_001374499.1); c.-138C>T (NM_001374500.1); short protein forms A110V, A116V, A134V, A159V, A25V.
Identifiers: ClinVar variation 3763818 (VCV003763818.2).
Genomic context (GRCh38, chr5:119,477,468, plus strand): 5'-TTGTTTTAGATATAATCCACAGAGTTCATTTGCGGGGTTCATTCCAAGTGACACGGGCAG[C>T]ATGGGAACACATGAAGAAACAGAAGTATGGAAGGTAGAGTTGCATGTGGTTGTCAAGGGG-3'
Protein context (NP_000405.1, residues 124-144): LRGSFQVTRA[Ala134Val]WEHMKKQKYG